The following is an entry in ClinVar:

ClinVar aggregate classification (germline): Uncertain significance (1 of 4 stars; one submission).

Conditions:
Paroxysmal nonkinesigenic dyskinesia. Also called: Paroxysmal non-kinesigenic dyskinesia. Identifiers: Orphanet 98810, MedGen C1869117, MONDO:0700088.

gnomAD v4.1: 5 of 1,613,992 alleles (0.00031%); highest among the groups gnomAD compares: East Asian, 0.0022%; no homozygotes.

Submission:

Labcorp Genetics (formerly Invitae), Labcorp
Classification: Uncertain significance for Paroxysmal nonkinesigenic dyskinesia. Last evaluated: 2024-10-28. Review status: criteria provided, single submitter. Criteria: Invitae Variant Classification Sherloc (09022015). Collection method: clinical testing. Allele origin: germline.
Comment: This sequence change replaces histidine, which is basic and polar, with tyrosine, which is neutral and polar, at codon 35 of the PNKD protein (p.His35Tyr). This variant is present in population databases (no rsID available, gnomAD 0.006%). This variant has not been reported in the literature in individuals affected with PNKD-related conditions. An algorithm developed to predict the effect of missense changes on protein structure and function (PolyPhen-2) suggests that this variant is likely to be tolerated. In summary, the available evidence is currently insufficient to determine the role of this variant in disease. Therefore, it has been classified as a Variant of Uncertain Significance.

NM_015488.5(PNKD):c.103C>T (p.His35Tyr)

Gene: PNKD (PNKD metallo-beta-lactamase domain containing; plus strand). Cytogenetic location: 2q35.
Variant type: single nucleotide variant.
Coding change: c.103C>T on transcript NM_015488.5 (MANE Select); coding-DNA position 103, C replaced by T.
Protein change: p.His35Tyr; replaces histidine 35 with tyrosine.
Molecular consequence: missense variant.
Genome position (GRCh38, 1-based): chr2:218,271,416, C>T. VCF-style: chr2-218271416-C-T. GRCh37 (hg19) VCF-style: chr2-219136139-C-T.
Other names: c.103C>T, p.His35Tyr (NM_001077399.3); short protein forms H35Y.
Identifiers: ClinVar variation 3658652 (VCV003658652.2).
Genomic context (GRCh38, chr2:218,271,416, plus strand): 5'-TGACCTTCCTTACCTCCATCCACAGGGATTCTCGCAGGAGCCACAGCTAACAAGGCTTCT[C>T]ATAACAGGACCCGGGCCCTGCAAAGCCACAGCTCCCCAGAGGGCAAGGAGGAACCTGAAC-3'
Protein context (NP_056303.3, residues 25-45): LAGATANKAS[His35Tyr]NRTRALQSHS